The following is an entry in ClinVar:

NM_000132.4(F8):c.5879G>A (p.Arg1960Gln)

Gene: F8 (coagulation factor VIII; minus strand). Cytogenetic location: Xq28.
Variant type: single nucleotide variant.
Coding change: c.5879G>A on transcript NM_000132.4 (MANE Select); coding-DNA position 5879, G replaced by A.
Protein change: p.Arg1960Gln; replaces arginine 1960 with glutamine.
Molecular consequence: missense variant.
Genome position (GRCh38, 1-based): chrX:154,904,025, C>T on the plus strand (G>A on the coding strand, the complement: F8 is on the minus strand). VCF-style: chrX-154904025-C-T. GRCh37 (hg19) VCF-style: chrX-154132300-C-T.
Other names: F8, ARG1941GLN; R1941Q; short protein forms R1960Q.
Identifiers: ClinVar variation 10110 (VCV000010110.13), dbSNP rs28937294, ClinGen allele CA255019.
Genomic context (GRCh38, chrX:154,904,025, plus strand): 5'-TGTCCACTGAAATGAATAGAATGGATGTTTTCATTGCTGCCCATGCTGAGCAGATACCAT[C>T]GAATCCTTTGATCCTGAGCCATTACTAAGCCAGGTAGTGTATCCATTATGTAGCCATTGA-3'
Protein context (NP_000123.1, residues 1950-1970): GLVMAQDQRI[Arg1960Gln]WYLLSMGSNE

ClinVar aggregate classification (germline): Pathogenic/Likely pathogenic. Review status: criteria provided, multiple submitters, no conflicts (2 of 4 stars). 5 submissions from 5 submitters: Pathogenic (3); Likely pathogenic (1). 1 of the submissions does not count toward it. Last evaluated 2025-07-16.

Conditions:
F8-related disorders.
Hereditary factor VIII deficiency disease (HEMA). Also called: HEMOPHILIA, CLASSIC; Hemophilia A, congenital; HEM A; Factor 8 deficiency, congenital; Hemophilia A; AUTOSOMAL HEMOPHILIA A. Identifiers: Orphanet 98878, MedGen C0019069, MONDO:0010602, OMIM 306700.

Allele frequency attached by ClinVar (database versions not stated): TOPMed 0.00010.

Submissions (5):

Mayo Clinic Laboratories, Mayo Clinic
Classification: Pathogenic. Last evaluated: 2025-07-16. Review status: criteria provided, single submitter. Criteria: ACMG Guidelines, 2015. Collection method: clinical testing. Allele origin: germline. Observed: 2 variant alleles.
Comment: PP1, PP3_moderate, PM2_supporting, PS4_very_strong

Blueprint Genetics
Classification: Pathogenic for F8-related disorders. Last evaluated: 2024-06-25. Review status: criteria provided, single submitter. Criteria: ACMG Guidelines, 2015. Collection method: clinical testing. Allele origin: germline. Affected: yes. Observed: 1 variant allele.

Genetics and Molecular Pathology, SA Pathology
Classification: Likely pathogenic for Hereditary factor VIII deficiency disease. Last evaluated: 2021-07-08. Review status: criteria provided, single submitter. Criteria: ACMG Guidelines, 2015. Collection method: clinical testing. Allele origin: germline. Affected: yes.

ARUP Laboratories, Molecular Genetics and Genomics, ARUP Laboratories
Classification: Pathogenic. Last evaluated: 2017-12-06. Review status: criteria provided, single submitter. Criteria: ARUP Molecular Germline Variant Investigation Process. Collection method: clinical testing. Allele origin: germline.
Comment: The F8 c.5879G>A; p.Arg1960Gln variant (rs28937294) has been reported in several individuals with mild hemophilia A (see F8 database link and references therein) and in the ClinVar database (Variation ID: 10110). This variant is absent from general population databases (1000 Genomes Project, Exome Variant Server, Genome Aggregation Database). The arginine at codon 1960 is well conserved and computational algorithms (SIFT, PolyPhen2, MutationTaster) predict this variant to be deleterious. Based on the above information, this variant is considered pathogenic. References: Link to p.Arg1960Gln in F8 Variant Database

OMIM
Classification: Pathogenic for HEMOPHILIA A. Last evaluated: 1990-05-01. Review status: no assertion criteria provided. Collection method: literature only. Allele origin: germline. Not counted in ClinVar's aggregate classification.

Literature cited by the submitters: PubMed 1301194 (cited by Mayo Clinic Laboratories, Mayo Clinic); PubMed 18691168 (cited by Mayo Clinic Laboratories, Mayo Clinic); PubMed 20331761 (cited by Mayo Clinic Laboratories, Mayo Clinic); PubMed 2104741 (cited by Mayo Clinic Laboratories, Mayo Clinic); PubMed 25550078 (cited by Mayo Clinic Laboratories, Mayo Clinic); PubMed 29296726 (cited by Mayo Clinic Laboratories, Mayo Clinic); PubMed 30046696 (cited by Mayo Clinic Laboratories, Mayo Clinic); PubMed 31197069 (cited by Mayo Clinic Laboratories, Mayo Clinic); PubMed 7579394 (cited by Mayo Clinic Laboratories, Mayo Clinic); PubMed 8490618 (cited by Mayo Clinic Laboratories, Mayo Clinic); PubMed 9326186 (cited by Mayo Clinic Laboratories, Mayo Clinic); PubMed 2110545 (cited by OMIM).